The following is an entry in ClinVar:

NM_005045.4(RELN):c.5468C>A (p.Ala1823Glu)

Gene: RELN (reelin; minus strand). Cytogenetic location: 7q22.1.
Variant type: single nucleotide variant.
Coding change: c.5468C>A on transcript NM_005045.4 (MANE Select); coding-DNA position 5468, C replaced by A.
Protein change: p.Ala1823Glu; replaces alanine 1823 with glutamic acid.
Molecular consequence: missense variant.
Genome position (GRCh38, 1-based): chr7:103,561,593, G>T on the plus strand (C>A on the coding strand, the complement: RELN is on the minus strand). VCF-style: chr7-103561593-G-T. GRCh37 (hg19) VCF-style: chr7-103202040-G-T.
Other names: c.5468C>A, p.Ala1823Glu (NM_173054.3); short protein forms A1823E.
Identifiers: ClinVar variation 475972 (VCV000475972.10), dbSNP rs1244373166, ClinGen allele CA368743633.

ClinVar aggregate classification (germline): Uncertain significance. Review status: criteria provided, multiple submitters, no conflicts (2 of 4 stars). 3 submissions from 3 submitters: Uncertain significance (3). Last evaluated 2025-10-06.

Conditions:
Inborn genetic diseases. Identifiers: MedGen C0950123, MeSH D030342.
Norman-Roberts syndrome (LIS2). Also called: Lissencephaly 2 (Norman-Roberts type). Identifiers: Orphanet 89844, MedGen C0796089, MONDO:0009760, OMIM 257320.
Familial temporal lobe epilepsy 7. Identifiers: Orphanet 101046, MedGen C4225327, MONDO:0014639, OMIM 616436.
Epilepsy, familial temporal lobe, 1. Identifiers: Orphanet 101046, MedGen CN030884, MONDO:0700090, OMIM 600512.

Allele frequency attached by ClinVar (database versions not stated): gnomAD exomes below 0.00001; TOPMed below 0.00001.
gnomAD v4.1: 8 of 1,613,722 alleles (0.0005%); highest among the groups gnomAD compares: Admixed American, 0.0033%; no homozygotes.

Submissions (3):

Labcorp Genetics (formerly Invitae), Labcorp
Classification: Uncertain significance for Familial temporal lobe epilepsy 7; Norman-Roberts syndrome. Last evaluated: 2025-10-06. Review status: criteria provided, single submitter. Criteria: Invitae Variant Classification Sherloc (09022015). Collection method: clinical testing. Allele origin: germline.
Comment: This sequence change replaces alanine, which is neutral and non-polar, with glutamic acid, which is acidic and polar, at codon 1823 of the RELN protein (p.Ala1823Glu). This variant is not present in population databases (gnomAD no frequency). This variant has not been reported in the literature in individuals affected with RELN-related conditions. ClinVar contains an entry for this variant (Variation ID: 475972). Invitae Evidence Modeling of protein sequence and biophysical properties (such as structural, functional, and spatial information, amino acid conservation, physicochemical variation, residue mobility, and thermodynamic stability) indicates that this missense variant is not expected to disrupt RELN protein function with a negative predictive value of 80%. In summary, the available evidence is currently insufficient to determine the role of this variant in disease. Therefore, it has been classified as a Variant of Uncertain Significance.

Ambry Genetics
Classification: Uncertain significance for Inborn genetic diseases. Last evaluated: 2024-08-05. Review status: criteria provided, single submitter. Criteria: Ambry Variant Classification Scheme 2023. Collection method: clinical testing. Allele origin: germline.

Fulgent Genetics
Classification: Uncertain significance for Norman-Roberts syndrome; Epilepsy, familial temporal lobe, 1; Familial temporal lobe epilepsy 7. Last evaluated: 2018-10-31. Review status: criteria provided, single submitter. Criteria: ACMG Guidelines, 2015. Collection method: clinical testing. Allele origin: unknown.